The following is an entry in ClinVar:

NM_005751.5(AKAP9):c.6853C>G (p.Gln2285Glu)

Gene: AKAP9 (A-kinase anchoring protein 9; plus strand). Cytogenetic location: 7q21.2.
Variant type: single nucleotide variant.
Coding change: c.6853C>G on transcript NM_005751.5 (MANE Select); coding-DNA position 6853, C replaced by G.
Protein change: p.Gln2285Glu; replaces glutamine 2285 with glutamic acid.
Molecular consequence: missense variant.
Genome position (GRCh38, 1-based): chr7:92,077,783, C>G. VCF-style: chr7-92077783-C-G. GRCh37 (hg19) VCF-style: chr7-91707097-C-G.
Other names: c.1498C>G, p.Gln500Glu (NM_001379277.1); c.6829C>G, p.Gln2277Glu (NM_147185.3); short protein forms Q2277E, Q500E, Q2285E.
Identifiers: ClinVar variation 3671268 (VCV003671268.2).

ClinVar aggregate classification (germline): Uncertain significance (1 of 4 stars; one submission).

Conditions:
Long QT syndrome (LQTS). Identifiers: MedGen C0023976, MeSH D008133, MONDO:0002442. Disease mechanism: loss of function. Inheritance: Various modes of inheritance.

Submission:

Labcorp Genetics (formerly Invitae), Labcorp
Classification: Uncertain significance for Long QT syndrome. Last evaluated: 2024-02-02. Review status: criteria provided, single submitter. Criteria: Invitae Variant Classification Sherloc (09022015). Collection method: clinical testing. Allele origin: germline.
Comment: This sequence change replaces glutamine, which is neutral and polar, with glutamic acid, which is acidic and polar, at codon 2285 of the AKAP9 protein (p.Gln2285Glu). This variant is not present in population databases (gnomAD no frequency). This variant has not been reported in the literature in individuals affected with AKAP9-related conditions. An algorithm developed to predict the effect of missense changes on protein structure and function (PolyPhen-2) suggests that this variant is likely to be disruptive. In summary, the available evidence is currently insufficient to determine the role of this variant in disease. Therefore, it has been classified as a Variant of Uncertain Significance.